The following is an entry in ClinVar:

NM_001079802.2(FKTN):c.366T>G (p.Asn122Lys)

Gene: FKTN (fukutin; plus strand). Cytogenetic location: 9q31.2.
Variant type: single nucleotide variant.
Coding change: c.366T>G on transcript NM_001079802.2 (MANE Select); coding-DNA position 366, T replaced by G.
Protein change: p.Asn122Lys; replaces asparagine 122 with lysine.
Molecular consequence: missense variant. On other transcripts: 5 prime UTR variant (4), non-coding transcript variant (2).
Genome position (GRCh38, 1-based): chr9:105,601,345, T>G. VCF-style: chr9-105601345-T-G. GRCh37 (hg19) VCF-style: chr9-108363626-T-G.
Other names: c.366T>G, p.Asn122Lys (NM_001198963.2, NM_001351496.2, NM_001351498.2 and 1 more transcripts); c.297T>G, p.Asn99Lys (NM_001351497.2); c.-149T>G (NM_001351499.2, NM_001351500.2, NM_001351501.2 and 1 more transcripts); short protein forms N122K, N99K.
Identifiers: ClinVar variation 288661 (VCV000288661.14), dbSNP rs150591365, ClinGen allele CA10606177.

ClinVar aggregate classification (germline): Uncertain significance. Review status: criteria provided, multiple submitters, no conflicts (2 of 4 stars). 7 submissions from 5 submitters: Uncertain significance (6). 1 of the submissions does not count toward it. Last evaluated 2024-01-29.

Conditions:
Cardiovascular phenotype. Identifiers: MedGen CN230736.
Walker-Warburg congenital muscular dystrophy. Also called: Muscular dystrophy-dystroglycanopathy, type A; Walker-Warburg syndrome. Identifiers: Orphanet 899, MedGen C0265221, MONDO:0000171.
Muscular dystrophy-dystroglycanopathy (congenital with brain and eye anomalies), type A, 4 (MDDGA4). Also called: WALKER-WARBURG SYNDROME OR MUSCLE-EYE-BRAIN DISEASE, FKTN-RELATED; Congenital muscular dystrophy-dystroglycanopathy with brain and eye anomalies, type A4; Muscular dystrophy, congenital progressive, with mental retardation; Muscular dystrophy, congenital, with central nervous system involvement; Cerebromuscular dystrophy, Fukuyama type; Fukuyama congenital muscular dystrophy. Identifiers: Orphanet 272, Orphanet 588, Orphanet 899, MedGen C0410174, MONDO:0009678, OMIM 253800.
Autosomal recessive limb-girdle muscular dystrophy type 2M. Also called: MUSCULAR DYSTROPHY-DYSTROGLYCANOPATHY (LIMB-GIRDLE), TYPE C, 4; MUSCULAR DYSTROPHY, LIMB-GIRDLE, TYPE 2M. Identifiers: Orphanet 206554, MedGen C1969040, MONDO:0012699, OMIM 611588.
Muscular dystrophy-dystroglycanopathy (congenital without impaired intellectual development), type B, 4. Also called: Muscular dystrophy-dystroglycanopathy (congenital without intellectual disability), type B4; MUSCULAR DYSTROPHY, CONGENITAL, FKTN-RELATED. Identifiers: MedGen C2751052, MONDO:0013156, OMIM 613152.

Allele frequency attached by ClinVar (database versions not stated): gnomAD exomes below 0.00001; TOPMed 0.00002; gnomAD 0.00001; ESP Exome Variant Server 0.00008.
gnomAD v4.1: 7 of 1,590,630 alleles (0.00044%); highest among the groups gnomAD compares: South Asian, 0.0033%; no homozygotes.

Submissions (7):

Ambry Genetics
Classification: Uncertain significance for Cardiovascular phenotype. Last evaluated: 2024-01-29. Review status: criteria provided, single submitter. Criteria: Ambry Variant Classification Scheme 2023. Collection method: clinical testing. Allele origin: germline.
Comment: The p.N122K variant (also known as c.366T>G), located in coding exon 3 of the FKTN gene, results from a T to G substitution at nucleotide position 366. The asparagine at codon 122 is replaced by lysine, an amino acid with similar properties. This amino acid position is conserved. In addition, this alteration is predicted to be tolerated by in silico analysis. Based on the available evidence, the clinical significance of this alteration remains unclear.

Labcorp Genetics (formerly Invitae), Labcorp
Classification: Uncertain significance for Walker-Warburg congenital muscular dystrophy. Last evaluated: 2021-08-31. Review status: criteria provided, single submitter. Criteria: Invitae Variant Classification Sherloc (09022015). Collection method: clinical testing. Allele origin: germline.
Comment: This sequence change replaces asparagine with lysine at codon 122 of the FKTN protein (p.Asn122Lys). The asparagine residue is moderately conserved and there is a moderate physicochemical difference between asparagine and lysine. This variant is not present in population databases (ExAC no frequency). This missense change has been observed in individual(s) with clinical features of FKTN-related conditions (PMID: 21520333). ClinVar contains an entry for this variant (Variation ID: 288661). Algorithms developed to predict the effect of missense changes on protein structure and function (SIFT, PolyPhen-2, Align-GVGD) all suggest that this variant is likely to be tolerated. In summary, the available evidence is currently insufficient to determine the role of this variant in disease. Therefore, it has been classified as a Variant of Uncertain Significance.

Genome-Nilou Lab
Classification: Uncertain significance for Muscular dystrophy-dystroglycanopathy (congenital with brain and eye anomalies), type A, 4. Last evaluated: 2021-07-14. Review status: criteria provided, single submitter. Criteria: ACMG Guidelines, 2015. Collection method: clinical testing. Allele origin: germline. Affected: no.

Genome-Nilou Lab
Classification: Uncertain significance for Muscular dystrophy-dystroglycanopathy (congenital without impaired intellectual development), type B, 4. Last evaluated: 2021-07-14. Review status: criteria provided, single submitter. Criteria: ACMG Guidelines, 2015. Collection method: clinical testing. Allele origin: germline. Affected: no.

Genome-Nilou Lab
Classification: Uncertain significance for Autosomal recessive limb-girdle muscular dystrophy type 2M. Last evaluated: 2021-07-14. Review status: criteria provided, single submitter. Criteria: ACMG Guidelines, 2015. Collection method: clinical testing. Allele origin: germline. Affected: no.

Eurofins Ntd Llc (ga)
Classification: Uncertain significance. Last evaluated: 2016-06-08. Review status: criteria provided, single submitter. Criteria: EGL Classification Definitions 2015. Collection method: clinical testing. Allele origin: germline. Observed: 1 variant allele, 1 heterozygote.

Natera, Inc.
Classification: Uncertain significance for Walker-Warburg congenital muscular dystrophy. Last evaluated: 2020-09-22. Review status: no assertion criteria provided. Collection method: clinical testing. Allele origin: germline. Not counted in ClinVar's aggregate classification.

Literature cited by the submitters: PubMed 21520333 (cited by Labcorp Genetics (formerly Invitae), Labcorp).